The following is an entry in ClinVar:

ClinVar aggregate classification (germline): Uncertain significance (0 of 4 stars; one submission).

Conditions:
BAG3-related disorder. Also called: BAG3-related condition.

Allele frequency attached by ClinVar (database versions not stated): gnomAD exomes below 0.00001.
gnomAD v4.1: 1 of 1,614,192 alleles (0.000062%); no homozygotes.

Submission:

PreventionGenetics, part of Exact Sciences
Classification: Uncertain significance for BAG3-related condition. Last evaluated: 2024-02-01. Review status: no assertion criteria provided. Collection method: clinical testing. Allele origin: germline.
Comment: The BAG3 c.1327G>A variant is predicted to result in the amino acid substitution p.Glu443Lys. To our knowledge, this variant has not been reported in the literature or in a large population database, indicating this variant is rare. At this time, the clinical significance of this variant is uncertain due to the absence of conclusive functional and genetic evidence.

NM_004281.4(BAG3):c.1327G>A (p.Glu443Lys)

Gene: BAG3 (BAG cochaperone 3; plus strand). Cytogenetic location: 10q26.11.
Variant type: single nucleotide variant.
Coding change: c.1327G>A on transcript NM_004281.4 (MANE Select); coding-DNA position 1327, G replaced by A.
Protein change: p.Glu443Lys; replaces glutamic acid 443 with lysine.
Molecular consequence: missense variant.
Genome position (GRCh38, 1-based): chr10:119,676,881, G>A. VCF-style: chr10-119676881-G-A. GRCh37 (hg19) VCF-style: chr10-121436393-G-A.
Other names: short protein forms E443K.
Identifiers: ClinVar variation 3030219 (VCV003030219.2), dbSNP rs2494023776, ClinGen allele CA378297077.